The following is an entry in ClinVar:

ClinVar aggregate classification (germline): Conflicting classifications of pathogenicity. Review status: criteria provided, conflicting classifications (1 of 4 stars). 2 submissions from 2 submitters: Likely pathogenic (1); Uncertain significance (1). Last evaluated 2026-09-08.

Conditions:
Fabry disease. Also called: Angiokeratoma corporis diffusum; CERAMIDE TRIHEXOSIDASE DEFICIENCY; GLA DEFICIENCY; HEREDITARY DYSTOPIC LIPIDOSIS; Fabry's disease; ALPHA-GALACTOSIDASE A DEFICIENCY. Identifiers: Orphanet 324, MedGen C0002986, MONDO:0010526, OMIM 301500, HP:0001071. Disease mechanism: loss of function, Fabry disease is due to inactivating mutations in the X-linked GLA gene resulting in deficiency of the enzyme Alpha Galactosidase-A..

Allele frequency attached by ClinVar (database versions not stated): gnomAD exomes below 0.00001.
gnomAD v4.1: 2 of 1,210,379 alleles (0.00017%); highest among the groups gnomAD compares: Non-Finnish European, 0.00011%; no homozygotes.

Submissions (2):

Genomenon, Inc
Classification: Uncertain significance for Fabry disease. Last evaluated: 2026-09-08. Review status: criteria provided, single submitter. Criteria: Genomenon Sequence Variant Interpretation Standards - Updated. Collection method: curation. Allele origin: germline. Affected: yes.
Comment: GLA p.Ile359Thr (c.1076T>C) is a missense variant that changes the amino acid at codon 359 from Isoleucine to Threonine. This variant has been observed in at least one proband with clinical features consistent with Fabry disease (PMID:25984048). The variant was found to segregate with disease in at least one affected family (PMID:25984048). Functional or patient cell studies have been reported (PMID:27657681;32418857;22133539;25984048). It is absent or not present at a significant frequency in gnomAD. In conclusion, we classify GLA p.Ile359Thr (c.1076T>C) as a variant of uncertain significance.

Labcorp Genetics (formerly Invitae), Labcorp
Classification: Likely pathogenic for Fabry disease. Last evaluated: 2025-07-22. Review status: criteria provided, single submitter. Criteria: Invitae Variant Classification Sherloc (09022015). Collection method: clinical testing. Allele origin: germline.
Comment: This sequence change replaces isoleucine, which is neutral and non-polar, with threonine, which is neutral and polar, at codon 359 of the GLA protein (p.Ile359Thr). This variant is not present in population databases (gnomAD no frequency). This missense change has been observed in individual(s) with Fabry disease (PMID: 30988410, 32418857, 37507255). ClinVar contains an entry for this variant (Variation ID: 1021970). Invitae Evidence Modeling of protein sequence and biophysical properties (such as structural, functional, and spatial information, amino acid conservation, physicochemical variation, residue mobility, and thermodynamic stability) indicates that this missense variant is expected to disrupt GLA protein function with a positive predictive value of 95%. In summary, the currently available evidence indicates that the variant is pathogenic, but additional data are needed to prove that conclusively. Therefore, this variant has been classified as Likely Pathogenic.

Literature cited by the submitters: PubMed 25984048 (cited by Genomenon, Inc); PubMed 27657681 (cited by Genomenon, Inc); PubMed 32418857 (cited by Genomenon, Inc and Labcorp Genetics (formerly Invitae), Labcorp); PubMed 22133539 (cited by Genomenon, Inc); PubMed 30988410 (cited by Labcorp Genetics (formerly Invitae), Labcorp); PubMed 37507255 (cited by Labcorp Genetics (formerly Invitae), Labcorp).

NM_000169.3(GLA):c.1076T>C (p.Ile359Thr)

Genes: GLA (galactosidase alpha; minus strand), RPL36A-HNRNPH2 (RPL36A-HNRNPH2 readthrough; plus strand). Cytogenetic location: Xq22.1.
Variant type: single nucleotide variant.
Coding change: c.1076T>C on transcript NM_000169.3 (MANE Select); coding-DNA position 1076, T replaced by C.
Protein change: p.Ile359Thr; replaces isoleucine 359 with threonine.
Molecular consequence: missense variant. On other transcripts: non-coding transcript variant (3), intron variant (2).
Genome position (GRCh38, 1-based): chrX:101,398,023, A>G on the plus strand (T>C on the coding strand, the complement: GLA is on the minus strand). VCF-style: chrX-101398023-A-G. GRCh37 (hg19) VCF-style: chrX-100653011-A-G.
Other names: c.1199T>C, p.Ile400Thr (NM_001406747.1); c.300+2566A>G (NM_001199973.2); c.177+6201A>G (NM_001199974.2); short protein forms I359T, I400T.
Identifiers: ClinVar variation 1021970 (VCV001021970.11), dbSNP rs1928132914, ClinGen allele CA413920826.